The following is an entry in ClinVar:

ClinVar aggregate classification (germline): Uncertain significance (1 of 4 stars; one submission).

Conditions:
Catecholaminergic polymorphic ventricular tachycardia 1. Also called: VENTRICULAR TACHYCARDIA, STRESS-INDUCED POLYMORPHIC 1; VENTRICULAR TACHYCARDIA, CATECHOLAMINERGIC POLYMORPHIC, 1, WITH OR WITHOUT ATRIAL DYSFUNCTION AND/OR DILATED CARDIOMYOPATHY; RYR2-Related Catecholaminergic Polymorphic Ventricular Tachycardia. Identifiers: Orphanet 3286, MedGen C1631597, MONDO:0011484, OMIM 604772.

Submission:

Labcorp Genetics (formerly Invitae), Labcorp
Classification: Uncertain significance for Catecholaminergic polymorphic ventricular tachycardia 1. Last evaluated: 2025-10-29. Review status: criteria provided, single submitter. Criteria: Invitae Variant Classification Sherloc (09022015). Collection method: clinical testing. Allele origin: germline.
Comment: This sequence change replaces valine, which is neutral and non-polar, with leucine, which is neutral and non-polar, at codon 3421 of the RYR2 protein (p.Val3421Leu). This variant is not present in population databases (gnomAD no frequency). This variant has not been reported in the literature in individuals affected with RYR2-related conditions. Invitae Evidence Modeling of protein sequence and biophysical properties (such as structural, functional, and spatial information, amino acid conservation, physicochemical variation, residue mobility, and thermodynamic stability) indicates that this missense variant is expected to disrupt RYR2 protein function with a positive predictive value of 95%. In summary, the available evidence is currently insufficient to determine the role of this variant in disease. Therefore, it has been classified as a Variant of Uncertain Significance.

NM_001035.3(RYR2):c.10261G>C (p.Val3421Leu)

Gene: RYR2 (ryanodine receptor 2; plus strand). Cytogenetic location: 1q43.
Variant type: single nucleotide variant.
Coding change: c.10261G>C on transcript NM_001035.3 (MANE Select); coding-DNA position 10261, G replaced by C.
Protein change: p.Val3421Leu; replaces valine 3421 with leucine.
Molecular consequence: missense variant.
Genome position (GRCh38, 1-based): chr1:237,711,775, G>C. VCF-style: chr1-237711775-G-C. GRCh37 (hg19) VCF-style: chr1-237875075-G-C.
Other names: short protein forms V3421L.
Identifiers: ClinVar variation 4811145 (VCV004811145.1).